The following is an entry in ClinVar:

ClinVar aggregate classification (germline): Benign (1 of 4 stars; one submission).

Allele frequency attached by ClinVar (database versions not stated): 1000 Genomes Project 0.03295; 1000 Genomes Project 30x 0.03498; gnomAD 0.03594 and 0.03685; TOPMed 0.04037.
gnomAD v4.1: 5,468 of 152,276 alleles (3.6%); highest among the groups gnomAD compares: Middle Eastern, 11%; 140 homozygotes.

Submission:

GeneDx
Classification: Benign. Last evaluated: 2018-06-19. Review status: criteria provided, single submitter. Criteria: GeneDx Variant Classification (06012015). Collection method: clinical testing. Allele origin: germline. Affected: yes.
Comment: This variant is considered likely benign or benign based on one or more of the following criteria: it is a conservative change, it occurs at a poorly conserved position in the protein, it is predicted to be benign by multiple in silico algorithms, and/or has population frequency not consistent with disease.

NM_020822.3(KCNT1):c.2244-217T>C

Gene: KCNT1 (potassium sodium-activated channel subfamily T member 1; plus strand). Cytogenetic location: 9q34.3.
Variant type: single nucleotide variant.
Coding change: c.2244-217T>C on transcript NM_020822.3 (MANE Select); 217 bases into the intron before coding-DNA position 2244, T replaced by C.
Molecular consequence: intron variant.
Genome position (GRCh38, 1-based): chr9:135,775,093, T>C. VCF-style: chr9-135775093-T-C. GRCh37 (hg19) VCF-style: chr9-138666939-T-C.
Other names: c.2109-217T>C (NM_001272003.2).
Identifiers: ClinVar variation 682422 (VCV000682422.1), dbSNP rs113226150, ClinGen allele CA201476005.
Genomic context (GRCh38, chr9:135,775,093, plus strand): 5'-CACTGCCCTGACTGCCCTGCAGGACACACTGGGTCCTGGGTGCCAAGGCTAGGCAGGCCC[T>C]ATGACACGGTGACCACAGGCTCAGCTGGAGGAGCGTTTGCTGATGCACAGGTGGTTAAGG-3'